The following is an entry in ClinVar:

NM_005154.5(USP8):c.1022A>G (p.Glu341Gly)

Gene: USP8 (ubiquitin specific peptidase 8; plus strand). Cytogenetic location: 15q21.2.
Variant type: single nucleotide variant.
Coding change: c.1022A>G on transcript NM_005154.5 (MANE Select); coding-DNA position 1022, A replaced by G.
Protein change: p.Glu341Gly; replaces glutamic acid 341 with glycine.
Molecular consequence: missense variant.
Genome position (GRCh38, 1-based): chr15:50,477,303, A>G. VCF-style: chr15-50477303-A-G. GRCh37 (hg19) VCF-style: chr15-50769500-A-G.
Other names: c.1022A>G, p.Glu341Gly (NM_001128610.3); c.791A>G, p.Glu264Gly (NM_001283049.2); short protein forms E341G, E264G.
Identifiers: ClinVar variation 1979078 (VCV001979078.4), dbSNP rs202174816, ClinGen allele CA7555643.

ClinVar aggregate classification (germline): Uncertain significance (1 of 4 stars; one submission).

Conditions:
Hereditary spastic paraplegia. Also called: Familial spastic paraparesis. Identifiers: Orphanet 685, MedGen C0037773, MONDO:0019064. Disease mechanism: loss of function.

Allele frequency attached by ClinVar (database versions not stated): gnomAD exomes 0.00002; ExAC 0.00007; ESP Exome Variant Server 0.00008; gnomAD 0.00011; TOPMed 0.00014; 1000 Genomes Project 30x 0.00047; 1000 Genomes Project 0.00060.
gnomAD v4.1: 48 of 1,613,264 alleles (0.003%); highest among the groups gnomAD compares: African/African-American, 0.049%; no homozygotes.

Submission:

Labcorp Genetics (formerly Invitae), Labcorp
Classification: Uncertain significance for Hereditary spastic paraplegia. Last evaluated: 2025-08-27. Review status: criteria provided, single submitter. Criteria: Invitae Variant Classification Sherloc (09022015). Collection method: clinical testing. Allele origin: germline.
Comment: This sequence change replaces glutamic acid, which is acidic and polar, with glycine, which is neutral and non-polar, at codon 341 of the USP8 protein (p.Glu341Gly). This variant is present in population databases (rs202174816, gnomAD 0.04%). This variant has not been reported in the literature in individuals affected with USP8-related conditions. ClinVar contains an entry for this variant (Variation ID: 1979078). An algorithm developed to predict the effect of missense changes on protein structure and function (PolyPhen-2) suggests that this variant is likely to be disruptive. In summary, the available evidence is currently insufficient to determine the role of this variant in disease. Therefore, it has been classified as a Variant of Uncertain Significance.